The following is an entry in ClinVar:

NM_130839.5(UBE3A):c.2468delinsGG (p.Ile823fs)

Genes: SNHG14 (small nucleolar RNA host gene 14; plus strand), UBE3A (ubiquitin protein ligase E3A; minus strand). Cytogenetic location: 15q11.2.
Variant type: Indel.
Coding change: c.2468delinsGG on transcript NM_130839.5 (MANE Select); coding-DNA position 2468, T replaced by GG.
Protein change: p.Ile823fs; shifts the reading frame from isoleucine 823.
Molecular consequence: frameshift variant. On other transcripts: non-coding transcript variant (1).
Genome position (GRCh38, 1-based): chr15:25,340,115, A replaced by CC on the plus strand (T replaced by GG on the coding strand, the reverse complement: UBE3A is on the minus strand). VCF-style: chr15-25340115-A-CC. GRCh37 (hg19) VCF-style: chr15-25585262-A-CC.
Other names: c.2477delinsGG, p.Ile826fs (NM_000462.5); c.2468delinsGG, p.Ile823fs (NM_001354505.1, NM_001354538.2); c.2408delinsGG, p.Ile803fs (NM_001354506.2, NM_001354507.2, NM_001354508.2 and 14 more transcripts); c.2312delinsGG, p.Ile771fs (NM_001354545.2); c.2291delinsGG, p.Ile764fs (NM_001354546.2); c.2252delinsGG, p.Ile751fs (NM_001354547.2, NM_001354548.2); c.2243delinsGG, p.Ile748fs (NM_001354549.2); c.1217delinsGG, p.Ile406fs (NM_001354550.2); and 1 more; short protein forms I386fs, I406fs, I748fs, I751fs, I764fs, I771fs, I803fs, I823fs.
Identifiers: ClinVar variation 4866300 (VCV004866300.1).

ClinVar aggregate classification (germline): Pathogenic (1 of 4 stars; one submission).

Conditions:
Inborn genetic diseases. Identifiers: MedGen C0950123, MeSH D030342.

Submission:

Ambry Genetics
Classification: Pathogenic for Inborn genetic diseases. Last evaluated: 2026-04-20. Review status: criteria provided, single submitter. Criteria: Ambry Variant Classification Scheme 2023. Collection method: clinical testing. Allele origin: germline.
Comment: The c.2408delTinsGG (p.I803Rfs*20) alteration, located in exon 9 (coding exon 9) of the UBE3A gene, consists of a deletion of T and an insertion of 2 nucleotides at position 2408 causing a translational frameshift with a predicted alternate stop codon after 20 amino acids. This variant is not expected to trigger nonsense-mediated mRNA decay and impacts the last 6% of the protein. However, premature stop codons are typically deleterious in nature, the impacted region is critical for protein function, and a significant portion of the protein is affected (Ambry internal data). This variant was not reported in population-based cohorts in the Genome Aggregation Database (gnomAD). Based on the available evidence, this alteration is classified as pathogenic.